The following is an entry in ClinVar:

NM_002109.6(HARS1):c.829G>T (p.Val277Leu)

Gene: HARS1 (histidyl-tRNA synthetase 1; minus strand). Cytogenetic location: 5q31.3.
Variant type: single nucleotide variant.
Coding change: c.829G>T on transcript NM_002109.6 (MANE Select); coding-DNA position 829, G replaced by T.
Protein change: p.Val277Leu; replaces valine 277 with leucine.
Molecular consequence: missense variant.
Genome position (GRCh38, 1-based): chr5:140,677,111, C>A on the plus strand (G>T on the coding strand, the complement: HARS1 is on the minus strand). VCF-style: chr5-140677111-C-A. GRCh37 (hg19) VCF-style: chr5-140056696-C-A.
Other names: c.709G>T, p.Val237Leu (NM_001258040.3); c.769G>T, p.Val257Leu (NM_001258041.3); c.649G>T, p.Val217Leu (NM_001258042.3); c.607G>T, p.Val203Leu (NM_001289092.2); c.487G>T, p.Val163Leu (NM_001289093.2); c.742G>T, p.Val248Leu (NM_001289094.2); short protein forms V257L, V163L, V217L, V277L, V248L, V203L, V237L.
Identifiers: ClinVar variation 2825760 (VCV002825760.3), dbSNP rs763899763, ClinGen allele CA361253477.

ClinVar aggregate classification (germline): Uncertain significance (1 of 4 stars; one submission).

Conditions:
Usher syndrome type 3B. Also called: USHER SYNDROME, TYPE IIIB. Identifiers: MedGen C3281066, MONDO:0013788, OMIM 614504.

gnomAD v4.1: 1 of 1,613,986 alleles (0.000062%); highest among the groups gnomAD compares: South Asian, 0.0011%; no homozygotes.

Submission:

Labcorp Genetics (formerly Invitae), Labcorp
Classification: Uncertain significance for Usher syndrome type 3B. Last evaluated: 2023-01-24. Review status: criteria provided, single submitter. Criteria: Invitae Variant Classification Sherloc (09022015). Collection method: clinical testing. Allele origin: germline.
Comment: In summary, the available evidence is currently insufficient to determine the role of this variant in disease. Therefore, it has been classified as a Variant of Uncertain Significance. Algorithms developed to predict the effect of missense changes on protein structure and function (SIFT, PolyPhen-2, Align-GVGD) all suggest that this variant is likely to be tolerated. This variant has not been reported in the literature in individuals affected with HARS-related conditions. This variant is not present in population databases (gnomAD no frequency). This sequence change replaces valine, which is neutral and non-polar, with leucine, which is neutral and non-polar, at codon 277 of the HARS protein (p.Val277Leu).